The following is an entry in ClinVar:

ClinVar aggregate classification (germline): Uncertain significance (1 of 4 stars; one submission).

Submission:

Labcorp Genetics (formerly Invitae), Labcorp
Classification: Uncertain significance. Last evaluated: 2024-02-06. Review status: criteria provided, single submitter. Criteria: Invitae Variant Classification Sherloc (09022015). Collection method: clinical testing. Allele origin: germline.
Comment: This sequence change replaces alanine, which is neutral and non-polar, with aspartic acid, which is acidic and polar, at codon 335 of the TBX6 protein (p.Ala335Asp). This variant is not present in population databases (gnomAD no frequency). This variant has not been reported in the literature in individuals affected with TBX6-related conditions. ClinVar contains an entry for this variant (Variation ID: 1955126). Advanced modeling of protein sequence and biophysical properties (such as structural, functional, and spatial information, amino acid conservation, physicochemical variation, residue mobility, and thermodynamic stability) performed at Invitae indicates that this missense variant is not expected to disrupt TBX6 protein function with a negative predictive value of 80%. In summary, the available evidence is currently insufficient to determine the role of this variant in disease. Therefore, it has been classified as a Variant of Uncertain Significance.

NM_004608.4(TBX6):c.1004C>A (p.Ala335Asp)

Gene: TBX6 (T-box transcription factor 6; minus strand). Cytogenetic location: 16p11.2.
Variant type: single nucleotide variant.
Coding change: c.1004C>A on transcript NM_004608.4 (MANE Select); coding-DNA position 1004, C replaced by A.
Protein change: p.Ala335Asp; replaces alanine 335 with aspartic acid.
Molecular consequence: missense variant.
Genome position (GRCh38, 1-based): chr16:30,086,605, G>T on the plus strand (C>A on the coding strand, the complement: TBX6 is on the minus strand). VCF-style: chr16-30086605-G-T. GRCh37 (hg19) VCF-style: chr16-30097926-G-T.
Other names: short protein forms A335D.
Identifiers: ClinVar variation 1955126 (VCV001955126.5), dbSNP rs2072634784, ClinGen allele CA395513706.